The following is an entry in ClinVar:

NM_000112.4(SLC26A2):c.*2226C>T

Gene: SLC26A2 (solute carrier family 26 member 2; plus strand). Cytogenetic location: 5q32.
Variant type: single nucleotide variant.
Coding change: c.*2226C>T on transcript NM_000112.4 (MANE Select); 2226 bases downstream of the stop codon, C replaced by T.
Molecular consequence: 3 prime UTR variant.
Genome position (GRCh38, 1-based): chr5:149,984,039, C>T. VCF-style: chr5-149984039-C-T. GRCh37 (hg19) VCF-style: chr5-149363602-C-T.
Identifiers: ClinVar variation 352058 (VCV000352058.15), dbSNP rs7722454, ClinGen allele CA10623617.
Genomic context (GRCh38, chr5:149,984,039, plus strand): 5'-TTAAGATGTTATAATTAGCCAACACCAACACAGCAAAAAATATAATTCCAGCCAAAGATT[C>T]TGGAAAATCCCTCAGAAGGAGGGATAACAGGATTTGACCTTTACCAGCGATTTCTGTCCA-3'

ClinVar aggregate classification (germline): Benign. Review status: criteria provided, multiple submitters, no conflicts (2 of 4 stars). 6 submissions from 2 submitters: Benign (6). Last evaluated 2022-06-24.

Conditions:
Sulfate transporter-related osteochondrodysplasia. Also called: DTDST-related dysplasias. Identifiers: MedGen CN120497. Disease mechanism: loss of function.
Achondrogenesis, type IB (ACG1B). Also called: Achondrogenesis Type 1B. Identifiers: Orphanet 932, Orphanet 93298, MedGen C0265274, MONDO:0010966, OMIM 600972.
Multiple epiphyseal dysplasia type 4 (EDM4). Also called: MULTIPLE EPIPHYSEAL DYSPLASIA WITH BILAYERED PATELLAE; MULTIPLE EPIPHYSEAL DYSPLASIA WITH CLUBFOOT; MULTIPLE EPIPHYSEAL DYSPLASIA, AUTOSOMAL RECESSIVE; SLC26A2-Related Multiple Epiphyseal Dysplasia; Multiple Epiphyseal Dysplasia, Recessive. Identifiers: Orphanet 93307, MedGen C1847593, MONDO:0009189, OMIM 226900.
Atelosteogenesis type II (AO2). Also called: NEONATAL OSSEOUS DYSPLASIA I; Neonatal osseous dysplasia 1; SLC26A2-Related Atelosteogenesis. Identifiers: Orphanet 56304, MedGen C1850554, MONDO:0009727, OMIM 256050.
Diastrophic dysplasia (DTD). Also called: Diastrophic dwarfism. Identifiers: Orphanet 628, MedGen C0220726, MONDO:0009107, OMIM 222600.

Allele frequency attached by ClinVar (database versions not stated): gnomAD 0.04260; TOPMed 0.04853; 1000 Genomes Project 0.05671; 1000 Genomes Project 30x 0.05809.

Submissions (6):

ARUP Laboratories, Molecular Genetics and Genomics, ARUP Laboratories
Classification: Benign. Last evaluated: 2022-06-24. Review status: criteria provided, single submitter. Criteria: ARUP Molecular Germline Variant Investigation Process 2021. Collection method: clinical testing. Allele origin: germline.

Illumina Laboratory Services, Illumina
Classification: Benign for Diastrophic dysplasia. Last evaluated: 2018-01-13. Review status: criteria provided, single submitter. Criteria: ICSL Variant Classification Criteria 13 December 2019. Collection method: clinical testing. Allele origin: germline.
Comment: This variant was observed in the ICSL laboratory as part of a predisposition screen in an ostensibly healthy population. It had not been previously curated by ICSL or reported in the Human Gene Mutation Database (HGMD: prior to June 1st, 2018), and was therefore a candidate for classification through an automated scoring system. Utilizing variant allele frequency, disease prevalence and penetrance estimates, and inheritance mode, an automated score was calculated to assess if this variant is too frequent to cause the disease. Based on the score and internal cut-off values, a variant classified as benign is not then subjected to further curation. The score for this variant resulted in a classification of benign for this disease.

Illumina Laboratory Services, Illumina
Classification: Benign for Achondrogenesis, type IB. Last evaluated: 2018-01-13. Review status: criteria provided, single submitter. Criteria: ICSL Variant Classification Criteria 13 December 2019. Collection method: clinical testing. Allele origin: germline.
Comment: the same text as in the submission from Illumina Laboratory Services, Illumina above.

Illumina Laboratory Services, Illumina
Classification: Benign for Multiple epiphyseal dysplasia type 4. Last evaluated: 2018-01-13. Review status: criteria provided, single submitter. Criteria: ICSL Variant Classification Criteria 13 December 2019. Collection method: clinical testing. Allele origin: germline.
Comment: the same text as in the submission from Illumina Laboratory Services, Illumina above.

Illumina Laboratory Services, Illumina
Classification: Benign for Atelosteogenesis type II. Last evaluated: 2018-01-13. Review status: criteria provided, single submitter. Criteria: ICSL Variant Classification Criteria 13 December 2019. Collection method: clinical testing. Allele origin: germline.
Comment: the same text as in the submission from Illumina Laboratory Services, Illumina above.

Illumina Laboratory Services, Illumina
Classification: Benign for Osteochondrodysplasia. Last evaluated: 2018-01-13. Review status: criteria provided, single submitter. Criteria: ICSL Variant Classification Criteria 13 December 2019. Collection method: clinical testing. Allele origin: germline.
Comment: the same text as in the submission from Illumina Laboratory Services, Illumina above.